The following is an entry in ClinVar:

NM_000059.4(BRCA2):c.9318G>A (p.Trp3106Ter)

Gene: BRCA2 (BRCA2 DNA repair associated; plus strand). Cytogenetic location: 13q13.1.
Variant type: single nucleotide variant.
Coding change: c.9318G>A on transcript NM_000059.4 (MANE Select); coding-DNA position 9318, G replaced by A.
Protein change: p.Trp3106Ter; replaces tryptophan 3106 with a stop codon.
Molecular consequence: nonsense.
Genome position (GRCh38, 1-based): chr13:32,394,750, G>A. VCF-style: chr13-32394750-G-A. GRCh37 (hg19) VCF-style: chr13-32968887-G-A.
Other names: 9546G>A; short protein forms W3106*.
Identifiers: ClinVar variation 224448 (VCV000224448.44), dbSNP rs771203198, ClinGen allele CA10575935.

ClinVar aggregate classification (germline): Pathogenic. Review status: reviewed by expert panel (3 of 4 stars). 7 submissions from 7 submitters: Pathogenic (1). 6 of the submissions do not count toward it. Last evaluated 2016-10-18.

Conditions:
Hereditary cancer-predisposing syndrome. Also called: Neoplastic Syndromes, Hereditary; Hereditary Cancer Syndrome; Tumor predisposition; Hereditary neoplastic syndrome. Identifiers: Orphanet 140162, MedGen C0027672, MeSH D009386, MONDO:0015356.
Breast neoplasm. Also called: Neoplasm of breast; Neoplasm of the breast; Breast tumor; Breast Neoplasms. Identifiers: MedGen C1458155, MeSH D001943, MONDO:0021100, HP:0100013. Disease mechanism: gain of function.
Hereditary breast ovarian cancer syndrome. Also called: BRCA1- and BRCA2-Associated Hereditary Breast and Ovarian Cancer; Hereditary breast and ovarian cancer syndrome (HBOC); Hereditary breast and ovarian cancer syndrome; Hereditary breast and ovarian cancer; Hereditary breast and/or ovarian cancer syndrome; Breast and ovarian cancer. Identifiers: Orphanet 145, MedGen C0677776, MeSH D061325, MONDO:0003582. Disease mechanism: loss of function.
Breast-ovarian cancer, familial, susceptibility to, 2 (BROVCA2). Also called: BRCA2 Hereditary Breast and Ovarian Cancer. Identifiers: Orphanet 145, MedGen C2675520, MONDO:0012933, OMIM 612555. Disease mechanism: loss of function.

Submissions (7):

Evidence-based Network for the Interpretation of Germline Mutant Alleles (ENIGMA)
Classification: Pathogenic for Breast-ovarian cancer, familial, susceptibility to, 2. Last evaluated: 2016-10-18. Review status: reviewed by expert panel. Criteria: ENIGMA BRCA1/2 Classification Criteria (2015). Collection method: curation. Allele origin: germline.
Comment: Variant allele predicted to encode a truncated non-functional protein.

CeGaT Center for Human Genetics Tuebingen
Classification: Pathogenic. Last evaluated: 2023-02-01. Review status: criteria provided, single submitter. Criteria: CeGaT Center For Human Genetics Tuebingen Variant Classification Criteria Version 2. Collection method: clinical testing. Allele origin: germline. Affected: yes. Observed: 1 variant allele. Not counted in ClinVar's aggregate classification.
Comment: BRCA2: PVS1, PM2

Color Diagnostics, LLC DBA Color Health
Classification: Pathogenic for Hereditary cancer-predisposing syndrome. Last evaluated: 2019-07-16. Review status: criteria provided, single submitter. Criteria: ACMG Guidelines, 2015. Collection method: clinical testing. Allele origin: germline. Not counted in ClinVar's aggregate classification.
Comment: This variant changes 1 nucleotide in exon 25 of the BRCA2 gene, creating a premature translation stop signal. This variant is expected to result in an absent or non-functional protein product. Splice site prediction tools suggest that this variant may not impact RNA splicing. This variant has been reported in an individual affected with breast cancer (PMID: 27257965). This variant has not been identified in the general population by the Genome Aggregation Database (gnomAD). Loss of BRCA2 function is a known mechanism of disease. Based on available evidence, this variant is classified as Pathogenic.

Labcorp Genetics (formerly Invitae), Labcorp
Classification: Pathogenic for Hereditary breast ovarian cancer syndrome. Last evaluated: 2019-07-11. Review status: criteria provided, single submitter. Criteria: Invitae Variant Classification Sherloc (09022015). Collection method: clinical testing. Allele origin: germline. Not counted in ClinVar's aggregate classification.
Comment: This sequence change creates a premature translational stop signal (p.Trp3106*) in the BRCA2 gene. It is expected to result in an absent or disrupted protein product. This variant has been reported in the literature in an individual with breast cancer (PMID: 27257965). ClinVar contains an entry for this variant (Variation ID: 224448). Loss-of-function variants in BRCA2 are known to be pathogenic (PMID: 20104584). For these reasons, this variant has been classified as Pathogenic. This variant is not present in population databases (ExAC no frequency).

Ambry Genetics
Classification: Pathogenic for Hereditary cancer-predisposing syndrome. Last evaluated: 2018-05-22. Review status: criteria provided, single submitter. Criteria: Ambry Variant Classification Scheme 2023. Collection method: clinical testing. Allele origin: germline. Not counted in ClinVar's aggregate classification.
Comment: The p.W3106* pathogenic mutation (also known as c.9318G>A), located in coding exon 24 of the BRCA2 gene, results from a G to A substitution at nucleotide position 9318. This changes the amino acid from a tryptophan to a stop codon within coding exon 24. This alteration was identified in 1/507 unselected Chinese breast cancer patients (Zhong X et al. PLoS ONE, 2016 Jun;11:e0156789). In addition to the clinical data presented in the literature, this alteration is expected to result in loss of function by premature protein truncation or nonsense-mediated mRNA decay. As such, this alteration is interpreted as a disease-causing mutation.

Laboratory of Molecular Diagnosis of Cancer, West China Hospital, Sichuan University
Classification: Pathogenic for Breast neoplasm. Last evaluated: 2015-11-01. Review status: criteria provided, single submitter. Criteria: ACMG Guidelines, 2015. Collection method: research. Allele origin: germline. Affected: yes. Observed: 1 variant allele. Not counted in ClinVar's aggregate classification.

Consortium of Investigators of Modifiers of BRCA1/2 (CIMBA), c/o University of Cambridge
Classification: Pathogenic for Breast-ovarian cancer, familial, susceptibility to, 2. Last evaluated: 2015-10-02. Review status: criteria provided, single submitter. Criteria: CIMBA Mutation Classification guidelines May 2016. Collection method: clinical testing. Allele origin: germline. Not counted in ClinVar's aggregate classification.

Literature cited by the submitters: PubMed 27257965 (cited by 3 submitters); PubMed 20104584 (cited by Labcorp Genetics (formerly Invitae), Labcorp).